The following is an entry in ClinVar:

ClinVar aggregate classification (germline): Uncertain significance. Review status: criteria provided, multiple submitters, no conflicts (2 of 4 stars). 3 submissions from 3 submitters: Uncertain significance (3). Last evaluated 2025-02-03.

Conditions:
Cardiovascular phenotype. Identifiers: MedGen CN230736.
Hereditary cancer-predisposing syndrome. Also called: Hereditary neoplastic syndrome; Tumor predisposition; Neoplastic Syndromes, Hereditary; Hereditary Cancer Syndrome. Identifiers: Orphanet 140162, MedGen C0027672, MeSH D009386, MONDO:0015356.
Neurofibromatosis, type 1 (NF1). Also called: Peripheral type neurofibromatosis; Neurofibromatosis, type I; VON RECKLINGHAUSEN DISEASE; NEUROFIBROMATOSIS, TYPE I, SOMATIC. Identifiers: Orphanet 636, MedGen C0027831, MONDO:0018975, OMIM 162200. Disease mechanism: loss of function.

Allele frequency attached by ClinVar (database versions not stated): gnomAD exomes below 0.00001.
gnomAD v4.1: 1 of 1,614,214 alleles (0.000062%); highest among the groups gnomAD compares: Non-Finnish European, 0.000085%; no homozygotes.

Submissions (3):

Labcorp Genetics (formerly Invitae), Labcorp
Classification: Uncertain significance for Neurofibromatosis, type 1. Last evaluated: 2025-02-03. Review status: criteria provided, single submitter. Criteria: Invitae Variant Classification Sherloc (09022015). Collection method: clinical testing. Allele origin: germline.
Comment: This sequence change replaces aspartic acid, which is acidic and polar, with glycine, which is neutral and non-polar, at codon 1194 of the NF1 protein (p.Asp1194Gly). This variant is not present in population databases (gnomAD no frequency). This variant has not been reported in the literature in individuals affected with NF1-related conditions. ClinVar contains an entry for this variant (Variation ID: 2452260). Invitae Evidence Modeling of protein sequence and biophysical properties (such as structural, functional, and spatial information, amino acid conservation, physicochemical variation, residue mobility, and thermodynamic stability) indicates that this missense variant is expected to disrupt NF1 protein function with a positive predictive value of 95%. In summary, the available evidence is currently insufficient to determine the role of this variant in disease. Therefore, it has been classified as a Variant of Uncertain Significance.

Centre of Medical Genetics, University Hospital Muenster
Classification: Uncertain significance. Last evaluated: 2024-04-22. Review status: criteria provided, single submitter. Criteria: ACMG Guidelines, 2015. Collection method: clinical testing. Allele origin: unknown. Affected: yes. Observed: 1 variant allele, 1 heterozygote.
Comment: ACMG categories: PM2,BP1

Ambry Genetics
Classification: Uncertain significance for Cardiovascular phenotype; Hereditary cancer-predisposing syndrome. Last evaluated: 2023-01-12. Review status: criteria provided, single submitter. Criteria: Ambry Variant Classification Scheme 2023. Collection method: clinical testing. Allele origin: germline.
Comment: The p.D1194G variant (also known as c.3581A>G), located in coding exon 27 of the NF1 gene, results from an A to G substitution at nucleotide position 3581. The aspartic acid at codon 1194 is replaced by glycine, an amino acid with similar properties. This amino acid position is conserved. In addition, this alteration is predicted to be deleterious by in silico analysis. Since supporting evidence is limited at this time, the clinical significance of this alteration remains unclear.

NM_001042492.3(NF1):c.3581A>G (p.Asp1194Gly)

Gene: NF1 (neurofibromin 1; plus strand). Cytogenetic location: 17q11.2.
Variant type: single nucleotide variant.
Coding change: c.3581A>G on transcript NM_001042492.3 (MANE Select); coding-DNA position 3581, A replaced by G.
Protein change: p.Asp1194Gly; replaces aspartic acid 1194 with glycine.
Molecular consequence: missense variant.
Genome position (GRCh38, 1-based): chr17:31,233,086, A>G. VCF-style: chr17-31233086-A-G. GRCh37 (hg19) VCF-style: chr17-29560104-A-G.
Other names: c.3581A>G, p.Asp1194Gly (NM_000267.4); short protein forms D1194G.
Identifiers: ClinVar variation 2452260 (VCV002452260.7), dbSNP rs2151435489, ClinGen allele CA398990165.